The following is an entry in ClinVar:

ClinVar aggregate classification (germline): Likely benign (1 of 4 stars; one submission).

gnomAD v4.1: 1 of 1,613,566 alleles (0.000062%); no homozygotes.

Submission:

Mayo Clinic Laboratories, Mayo Clinic
Classification: Likely benign. Last evaluated: 2024-12-24. Review status: criteria provided, single submitter. Criteria: ACMG Guidelines, 2015. Collection method: clinical testing. Allele origin: germline. Observed: 1 variant allele.
Comment: BP4, BP7

NM_016360.4(TACO1):c.519A>C (p.Gly173=)

Gene: TACO1 (translational activator of cytochrome c oxidase I; plus strand). Cytogenetic location: 17q23.3.
Variant type: single nucleotide variant.
Coding change: c.519A>C on transcript NM_016360.4 (MANE Select); coding-DNA position 519, A replaced by C.
Protein change: p.Gly173=; no amino-acid change (glycine 173 retained).
Molecular consequence: synonymous variant.
Genome position (GRCh38, 1-based): chr17:63,607,290, A>C. VCF-style: chr17-63607290-A-C. GRCh37 (hg19) VCF-style: chr17-61684650-A-C.
Other names: p.Gly173=.
Identifiers: ClinVar variation 4684243 (VCV004684243.1).
Genomic context (GRCh38, chr17:63,607,290, plus strand): 5'-TGGAGGCTGAGCTTCTAGAGGCATCCACTCATGCCAGCCTGTTTCCTTCCCTGTCAGAGG[A>C]GTGATGGCTGTAGGAGCTCGTCACTCTTTTGACAAAAAGGGGGTGATTGTGGTTGAAGTG-3'
Protein context (NP_057444.2, residues 163-183): DIRHILNKNG[Gly173=]VMAVGARHSF